The following is an entry in ClinVar:

ClinVar aggregate classification (germline): Pathogenic (1 of 4 stars; one submission).

Conditions:
Neurofibromatosis, type 1 (NF1). Also called: VON RECKLINGHAUSEN DISEASE; Neurofibromatosis, type I; Peripheral type neurofibromatosis; NEUROFIBROMATOSIS, TYPE I, SOMATIC. Identifiers: Orphanet 636, MedGen C0027831, MONDO:0018975, OMIM 162200. Disease mechanism: loss of function.

Submission:

Labcorp Genetics (formerly Invitae), Labcorp
Classification: Pathogenic for Neurofibromatosis, type 1. Last evaluated: 2023-07-17. Review status: criteria provided, single submitter. Criteria: Invitae Variant Classification Sherloc (09022015). Collection method: clinical testing. Allele origin: unknown.
Comment: For these reasons, this variant has been classified as Pathogenic. A similar copy number variant has been observed in individual(s) with neurofibromatosis type 1 (PMID: 26189818, 30290804). This variant is a gross deletion of the genomic region encompassing exon(s) 2-5 of the NF1 gene. This deletion is out-of-frame, and is expected to create a premature termination codon and result in an absent or disrupted protein product. Loss-of-function variants in NF1 are known to be pathogenic (PMID: 10712197, 23913538).

Literature cited by the submitters: PubMed 26189818; PubMed 30290804; PubMed 10712197; PubMed 23913538.

NC_000017.10:g.(?_29482991)_(29497025_?)del

Gene: NF1 (neurofibromin 1; plus strand). Cytogenetic location: 17q11.2.
Variant type: Deletion.
Identifiers: ClinVar variation 3242859 (VCV003242859.1).